The following continues an entry in ClinVar:

NM_007294.4(BRCA1):c.1687C>T (p.Gln563Ter)

Gene: BRCA1. ClinVar aggregate classification (germline): Pathogenic. Pathogenic (1).

Submissions 42 to 60 of 60:

Molecular Genetics Laboratory, University of Michigan
Classification: Pathogenic for Breast-ovarian cancer, familial, susceptibility to, 1. Last evaluated: 2014-11-03. Review status: criteria provided, single submitter. Criteria: ACMG Guidelines, 2015. Collection method: clinical testing. Allele origin: germline. Affected: yes. Not counted in ClinVar's aggregate classification.

Clinical Genetics and Genomics, Karolinska University Hospital
Classification: Pathogenic. Last evaluated: 2014-10-08. Review status: criteria provided, single submitter. Criteria: ACMG Guidelines, 2015. Collection method: clinical testing. Allele origin: germline. Affected: yes. Observed: 8 variant alleles. Not counted in ClinVar's aggregate classification.

Centre for Mendelian Genomics, University Medical Centre Ljubljana
Classification: Pathogenic for Breast carcinoma; Ovarian neoplasm. Last evaluated: 2014-02-17. Review status: criteria provided, single submitter. Criteria: ACMG Guidelines, 2015. Collection method: clinical testing. Allele origin: unknown. Affected: yes. Not counted in ClinVar's aggregate classification.

Institute of Genomics, University of Tartu
Classification: Pathogenic for Breast-ovarian cancer, familial, susceptibility to, 1. Review status: criteria provided, single submitter. Criteria: ACMG Guidelines, 2015. Collection method: research. Allele origin: germline. Observed: 1 variant allele. Not counted in ClinVar's aggregate classification.

CZECANCA consortium
Classification: Pathogenic for Endometrial carcinoma. Last evaluated: 2023-02-21. Review status: no assertion criteria provided. Collection method: clinical testing. Allele origin: germline. Affected: yes. Observed: 1 variant allele. Not counted in ClinVar's aggregate classification.

BRCAlab, Lund University
Classification: Pathogenic for Breast-ovarian cancer, familial, susceptibility to, 1. Last evaluated: 2022-08-26. Review status: no assertion criteria provided. Collection method: clinical testing. Allele origin: germline. Affected: yes. Not counted in ClinVar's aggregate classification.

Molecular Oncology, Hospital Universitario Central de Asturias (HUCA)
Classification: Pathogenic for Breast-ovarian cancer, familial, susceptibility to, 1. Last evaluated: 2021-05-24. Review status: no assertion criteria provided. Collection method: case-control. Allele origin: germline. Affected: yes. Not counted in ClinVar's aggregate classification.

CZECANCA consortium
Classification: Pathogenic for Breast and/or ovarian cancer. Last evaluated: 2019-06-11. Review status: no assertion criteria provided. Collection method: clinical testing. Allele origin: germline. Affected: yes. Observed: 15 variant alleles. Not counted in ClinVar's aggregate classification.

German Consortium for Hereditary Breast and Ovarian Cancer, University Hospital Cologne
Classification: Pathogenic for Ovarian neoplasm. Last evaluated: 2018-12-01. Review status: no assertion criteria provided. Collection method: research. Allele origin: germline. Affected: yes. Not counted in ClinVar's aggregate classification.

Bioscientia Institut fuer Medizinische Diagnostik GmbH, Sonic Healthcare
Classification: Pathogenic for Familial cancer of breast. Last evaluated: 2018-11-23. Review status: no assertion criteria provided. Collection method: clinical testing. Allele origin: germline. Affected: yes. Not counted in ClinVar's aggregate classification.

Institute of Human Genetics, Medical University Innsbruck
Classification: Pathogenic for Breast-ovarian cancer, familial 1. Last evaluated: 2015-02-11. Review status: no assertion criteria provided. Criteria: clinical testing. Collection method: clinical testing. Allele origin: germline. Affected: yes. Observed: 3 variant alleles. Study: BRCA-Tyrol. Not counted in ClinVar's aggregate classification.
Comment: BRCA-mutation spectrum Western Austria

Research Molecular Genetics Laboratory, Women's College Hospital, University of Toronto
Classification: Pathogenic for Hereditary breast ovarian cancer syndrome. Last evaluated: 2014-01-31. Review status: no assertion criteria provided. Collection method: research. Allele origin: germline. Affected: yes. Study: The Canadian Open Genetics Repository (COGR). Not counted in ClinVar's aggregate classification.

Sharing Clinical Reports Project (SCRP)
Classification: Pathogenic for Breast-ovarian cancer, familial 1. Last evaluated: 2014-01-13. Review status: no assertion criteria provided. Collection method: clinical testing. Allele origin: germline. Not counted in ClinVar's aggregate classification.

Breast Cancer Information Core (BIC) (BRCA1)
No classification provided. Condition: Breast-ovarian cancer, familial 1. Review status: no classification provided. Collection method: clinical testing. Allele origin: germline, unknown. Affected: yes. Observed: 104 variant alleles. Not counted in ClinVar's aggregate classification.

Clinical Genetics DNA and cytogenetics Diagnostics Lab, Erasmus MC, Erasmus Medical Center
Classification: Pathogenic. Review status: no assertion criteria provided. Collection method: clinical testing. Allele origin: germline. Affected: yes. Study: VKGL Data-share Consensus. Not counted in ClinVar's aggregate classification.

Clinical Genetics Laboratory, Department of Pathology, Netherlands Cancer Institute
Classification: Pathogenic. Review status: no assertion criteria provided. Collection method: clinical testing. Allele origin: germline. Affected: yes. Study: VKGL Data-share Consensus. Not counted in ClinVar's aggregate classification.

Department of Pathology and Laboratory Medicine, Sinai Health System
Classification: Pathogenic. Review status: no assertion criteria provided. Collection method: clinical testing. Allele origin: unknown. Affected: yes. Study: The Canadian Open Genetics Repository (COGR). Not counted in ClinVar's aggregate classification.
Comment: The BRCA1 p.Gln563* variant was identified in 13 of 4212 proband chromosomes (frequency: 0.003) from individuals or families with breast or ovarian cancer and was present in 1 of 2600 control chromosomes (frequency: 0.0004) from healthy individuals (Alemar 2016, Cybulski 2015, Fernandes 2016, Jakimovska 2018, Kluska 2015, Maistro 2016, Meisel 2017). The variant was also identified in dbSNP (ID: rs80356898) as "With Pathogenic allele", ClinVar (classified as pathogenic by 23 submitters), LOVD 3.0 (49x as pathogenic), and UMD-LSDB (12x as causal). The variant was identified in control databases in 6 of 245302 chromosomes at a frequency of 0.00002 (Genome Aggregation Database Feb 27, 2017). The variant was observed in the European population in 6 of 111186 chromosomes (freq: 0.00005), while it was not observed in the African, Other, Latino, Ashkenazi Jewish, East Asian, Finnish, or South Asian populations. The c.1687C>T variant leads to a premature stop codon at position 563, which is predicted to lead to a truncated or absent protein and loss of function. Loss of function variants of the BRCA1 gene are an established mechanism of disease in HBOC and is the type of variant expected to cause the disorder. In addition, one study demonstrated that this variant results in nonsense-mediated decay (Perrin-Vidoz 2002). In summary, based on the above information, this variant meets our laboratoryâ€šÃ„Ã´s criteria to be classified as pathogenic.

Diagnostic Laboratory, Department of Genetics, University Medical Center Groningen
Classification: Pathogenic for Breast-ovarian cancer, familial, susceptibility to, 1. Review status: no assertion criteria provided. Collection method: clinical testing. Allele origin: germline. Affected: yes. Study: VKGL Data-share Consensus. Not counted in ClinVar's aggregate classification.

Joint Genome Diagnostic Labs from Nijmegen and Maastricht, Radboudumc and MUMC+
Classification: Pathogenic. Review status: no assertion criteria provided. Collection method: clinical testing. Allele origin: germline. Affected: yes. Study: VKGL Data-share Consensus. Not counted in ClinVar's aggregate classification.

Literature cited by the submitters: PubMed 20104584 (cited by Labcorp Genetics (formerly Invitae), Labcorp and Quest Diagnostics Nichols Institute San Juan Capistrano); PubMed 21989927 (cited by 4 submitters); PubMed 23199084 (cited by 5 submitters); PubMed 24312913 (cited by 3 submitters); PubMed 25330149 (cited by 4 submitters); PubMed 25948282 (cited by 4 submitters); PubMed 26852130 (cited by 5 submitters); PubMed 33471991 (cited by 3 submitters); PubMed 39142283 (cited by OLLIN Analises Genomicas, OLLIN); PubMed 24504028 (cited by 4 submitters); PubMed 25682074 (cited by Ambry Genetics); PubMed 26219728 (cited by 4 submitters); PubMed 27741520 (cited by 4 submitters); PubMed 28324225 (cited by 5 submitters); PubMed 29335924 (cited by 4 submitters); PubMed 30606148 (cited by 3 submitters); PubMed 7837387 (cited by Ambry Genetics and Laboratory for Molecular Medicine, Mass General Brigham Personalized Medicine); PubMed 20373018 (cited by 3 submitters); PubMed 23479189 (cited by All of Us Research Program, National Institutes of Health and Color Diagnostics, LLC DBA Color Health); PubMed 24728189 (cited by All of Us Research Program, National Institutes of Health and Color Diagnostics, LLC DBA Color Health); PubMed 25066507 (cited by All of Us Research Program, National Institutes of Health and Color Diagnostics, LLC DBA Color Health); PubMed 26083025 (cited by 3 submitters); PubMed 26350514 (cited by 3 submitters); PubMed 27425403 (cited by 4 submitters); PubMed 36367610 (cited by All of Us Research Program, National Institutes of Health and Color Diagnostics, LLC DBA Color Health); PubMed 38386807 (cited by 3 submitters); PubMed 38785549 (cited by 3 submitters); PubMed 38922859 (cited by 3 submitters); PubMed 36329109 (cited by Quest Diagnostics Nichols Institute San Juan Capistrano and Genetics Program, Instituto Nacional de Cancer); PubMed 36171877 (cited by Quest Diagnostics Nichols Institute San Juan Capistrano); PubMed 35313928 (cited by Quest Diagnostics Nichols Institute San Juan Capistrano); PubMed 38641594 (cited by Quest Diagnostics Nichols Institute San Juan Capistrano); PubMed 35216584 (cited by Quest Diagnostics Nichols Institute San Juan Capistrano); PubMed 33670479 (cited by Quest Diagnostics Nichols Institute San Juan Capistrano); PubMed 33478551 (cited by Quest Diagnostics Nichols Institute San Juan Capistrano); PubMed 36451132 (cited by Quest Diagnostics Nichols Institute San Juan Capistrano); PubMed 35833951 (cited by Quest Diagnostics Nichols Institute San Juan Capistrano); PubMed 32073954 (cited by Quest Diagnostics Nichols Institute San Juan Capistrano); PubMed 31794323 (cited by Quest Diagnostics Nichols Institute San Juan Capistrano); PubMed 29625052 (cited by Quest Diagnostics Nichols Institute San Juan Capistrano); PubMed 15876480 (cited by Quest Diagnostics Nichols Institute San Juan Capistrano and Laboratory for Molecular Medicine, Mass General Brigham Personalized Medicine); PubMed 11504767 (cited by Quest Diagnostics Nichols Institute San Juan Capistrano); PubMed 19208665 (cited by Quest Diagnostics Nichols Institute San Juan Capistrano); PubMed 16168118 (cited by Quest Diagnostics Nichols Institute San Juan Capistrano); PubMed 26295337 (cited by Quest Diagnostics Nichols Institute San Juan Capistrano); PubMed 12393792 (cited by Dasa); PubMed 11251181 (cited by Sema4); PubMed 29339979 (cited by Sema4); PubMed 22776961 (cited by Sema4); PubMed 29161300 (cited by Sema4); PubMed 29446198 (cited by Sema4); PubMed 18783588 (cited by Laboratory for Molecular Medicine, Mass General Brigham Personalized Medicine); PubMed 23683081 (cited by Laboratory for Molecular Medicine, Mass General Brigham Personalized Medicine); PubMed 9663595 (cited by Laboratory for Molecular Medicine, Mass General Brigham Personalized Medicine); PubMed 15024741 (cited by 3 submitters); PubMed 12566964 (cited by Laboratory for Molecular Medicine, Mass General Brigham Personalized Medicine and Breast Cancer Information Core (BIC) (BRCA1)); PubMed 21232165 (cited by Women's Health and Genetics/Laboratory Corporation of America, LabCorp); PubMed 8644702 (cited by Women's Health and Genetics/Laboratory Corporation of America, LabCorp); PubMed 18763032 (cited by Women's Health and Genetics/Laboratory Corporation of America, LabCorp); PubMed 32295079 (cited by CZECANCA consortium); Wagner et al. Int. J. Cancer, in press (cited by Breast Cancer Information Core (BIC) (BRCA1)); PubMed 15383404 (cited by Breast Cancer Information Core (BIC) (BRCA1)).